The following is an entry in ClinVar:

NM_014336.5(AIPL1):c.934A>C (p.Met312Leu)

Gene: AIPL1 (AIP like 1 HSP90 co-chaperone; minus strand). Cytogenetic location: 17p13.2.
Variant type: single nucleotide variant.
Coding change: c.934A>C on transcript NM_014336.5 (MANE Select); coding-DNA position 934, A replaced by C.
Protein change: p.Met312Leu; replaces methionine 312 with leucine.
Molecular consequence: missense variant. On other transcripts: 3 prime UTR variant (1).
Genome position (GRCh38, 1-based): chr17:6,425,681, T>G on the plus strand (A>C on the coding strand, the complement: AIPL1 is on the minus strand). VCF-style: chr17-6425681-T-G. GRCh37 (hg19) VCF-style: chr17-6329001-T-G.
Other names: c.745A>C, p.Met249Leu (NM_001033054.3); c.754A>C, p.Met252Leu (NM_001033055.3); c.898A>C, p.Met300Leu (NM_001285399.3); c.868A>C, p.Met290Leu (NM_001285400.3); c.862A>C, p.Met288Leu (NM_001285401.3); c.817A>C, p.Met273Leu (NM_001285402.2); c.*905A>C (NM_001285403.4); short protein forms M252L, M273L, M312L, M249L, M300L, M288L, M290L.
Identifiers: ClinVar variation 1383491 (VCV001383491.6), dbSNP rs2150674520, ClinGen allele CA397394618.
Genomic context (GRCh38, chr17:6,425,681, plus strand): 5'-TGGCACCCTGGCTCAGCATGTTCCGGCAGCGCAGCCGCTCCTCCTCCTGCTTCTCCGCCA[T>G]GCGGTTCTCCAGCAGCCTCAGCTCCCTGCGCACCGCCTTCTGCATGGACGGCTCCAGCTC-3'
Protein context (NP_055151.3, residues 302-322): RRELRLLENR[Met312Leu]AEKQEEERLR

ClinVar aggregate classification (germline): Uncertain significance (1 of 4 stars; one submission).

Conditions:
Leber congenital amaurosis 4 (LCA4). Identifiers: MedGen C1858386, MONDO:0011458, OMIM 604393.

Submission:

Labcorp Genetics (formerly Invitae), Labcorp
Classification: Uncertain significance for Leber congenital amaurosis 4. Last evaluated: 2022-08-23. Review status: criteria provided, single submitter. Criteria: Invitae Variant Classification Sherloc (09022015). Collection method: clinical testing. Allele origin: germline.
Comment: ClinVar contains an entry for this variant (Variation ID: 1383491). This variant has not been reported in the literature in individuals affected with AIPL1-related conditions. This variant is not present in population databases (gnomAD no frequency). This sequence change replaces methionine, which is neutral and non-polar, with leucine, which is neutral and non-polar, at codon 312 of the AIPL1 protein (p.Met312Leu). In summary, the available evidence is currently insufficient to determine the role of this variant in disease. Therefore, it has been classified as a Variant of Uncertain Significance. Algorithms developed to predict the effect of missense changes on protein structure and function output the following: SIFT: "Tolerated"; PolyPhen-2: "Benign"; Align-GVGD: "Class C0". The leucine amino acid residue is found in multiple mammalian species, which suggests that this missense change does not adversely affect protein function.